The following is an entry in ClinVar:

ClinVar aggregate classification (germline): Conflicting classifications of pathogenicity. Review status: criteria provided, conflicting classifications (1 of 4 stars). 3 submissions from 3 submitters: Uncertain significance (1); Likely benign (2). Last evaluated 2026-07-14.

Conditions:
KIF23-related disorder. Also called: KIF23-related condition.

Allele frequency attached by ClinVar (database versions not stated): gnomAD exomes 0.00002; ExAC 0.00012; 1000 Genomes Project 30x 0.00031; gnomAD 0.00031; TOPMed 0.00031; 1000 Genomes Project 0.00040; ESP Exome Variant Server 0.00062.
gnomAD v4.1: 77 of 1,614,160 alleles (0.0048%); highest among the groups gnomAD compares: African/African-American, 0.093%; no homozygotes.

Submissions (3):

PreventionGenetics, part of Exact Sciences
Classification: Likely benign for KIF23-related condition. Last evaluated: 2026-07-14. Review status: criteria provided, single submitter. Criteria: ACMG Guidelines, 2015. Collection method: clinical testing. Allele origin: germline.
Comment: This variant is classified as likely benign based on ACMG/AMP sequence variant interpretation guidelines (Richards et al. 2015 PMID: 25741868, with internal and published modifications).

Labcorp Genetics (formerly Invitae), Labcorp
Classification: Likely benign. Last evaluated: 2025-12-08. Review status: criteria provided, single submitter. Criteria: Invitae Variant Classification Sherloc (09022015). Collection method: clinical testing. Allele origin: germline.

Ambry Genetics
Classification: Uncertain significance. Last evaluated: 2025-09-18. Review status: criteria provided, single submitter. Criteria: Ambry Variant Classification Scheme 2023. Collection method: clinical testing. Allele origin: germline.

NM_001367805.3(KIF23):c.2266G>C (p.Val756Leu)

Gene: KIF23 (kinesin family member 23; plus strand). Cytogenetic location: 15q23.
Variant type: single nucleotide variant.
Coding change: c.2266G>C on transcript NM_001367805.3 (MANE Select); coding-DNA position 2266, G replaced by C.
Protein change: p.Val756Leu; replaces valine 756 with leucine.
Molecular consequence: missense variant. On other transcripts: non-coding transcript variant (1), intron variant (1).
Genome position (GRCh38, 1-based): chr15:69,440,924, G>C. VCF-style: chr15-69440924-G-C. GRCh37 (hg19) VCF-style: chr15-69733263-G-C.
Other names: c.2224G>C (NM_138555.3); c.1894G>C, p.Val632Leu (NM_001281301.2); c.2224G>C, p.Val742Leu (NM_001367804.2, NM_138555.4); c.2067+437G>C (NM_004856.7); short protein forms V632L, V756L, V742L.
Identifiers: ClinVar variation 2387588 (VCV002387588.6), dbSNP rs143219911, ClinGen allele CA7635361.